The following is an entry in ClinVar:

ClinVar aggregate classification (germline): Pathogenic. Review status: criteria provided, single submitter (1 of 4 stars). 2 submissions from 2 submitters: Pathogenic (1). 1 of the submissions does not count toward it. Last evaluated 2022-11-12.

Conditions:
Pulmonary arterial hypertension. Identifiers: Orphanet 182090, MedGen C2973725, MeSH D000081029, MONDO:0015924, HP:0002092.
Primary pulmonary hypertension. Also called: Idiopathic pulmonary hypertension. Identifiers: MedGen C0152171.

Submissions (2):

Labcorp Genetics (formerly Invitae), Labcorp
Classification: Pathogenic for Primary pulmonary hypertension. Last evaluated: 2022-11-12. Review status: criteria provided, single submitter. Criteria: Invitae Variant Classification Sherloc (09022015). Collection method: clinical testing. Allele origin: germline.
Comment: This sequence change creates a premature translational stop signal (p.Gln92Lysfs*9) in the BMPR2 gene. It is expected to result in an absent or disrupted protein product. Loss-of-function variants in BMPR2 are known to be pathogenic (PMID: 16429395). This variant is not present in population databases (gnomAD no frequency). This premature translational stop signal has been observed in individual(s) with pulmonary arterial hypertension (PMID: 29650961, 32581362). ClinVar contains an entry for this variant (Variation ID: 812797). For these reasons, this variant has been classified as Pathogenic.

NIHR Bioresource Rare Diseases, University of Cambridge
Classification: Pathogenic for Pulmonary arterial hypertension. Review status: no assertion criteria provided. Collection method: research. Allele origin: unknown. Affected: yes. Observed: 1 variant allele. Not counted in ClinVar's aggregate classification.

Literature cited by the submitters: PubMed 16429395 (cited by Labcorp Genetics (formerly Invitae), Labcorp); PubMed 29650961 (cited by Labcorp Genetics (formerly Invitae), Labcorp); PubMed 32581362 (cited by Labcorp Genetics (formerly Invitae), Labcorp and NIHR Bioresource Rare Diseases, University of Cambridge).

NM_001204.7(BMPR2):c.274del (p.Gln92fs)

Gene: BMPR2 (bone morphogenetic protein receptor type 2; plus strand). Cytogenetic location: 2q33.1.
Variant type: Deletion.
Coding change: c.274del on transcript NM_001204.7 (MANE Select); coding-DNA position 274, one base deleted (C; older notation c.274delC).
Protein change: p.Gln92fs; shifts the reading frame from glutamine 92.
Molecular consequence: frameshift variant.
Genome position (GRCh38, 1-based): chr2:202,467,545, C deleted; the last of 4 consecutive C bases (chr2:202,467,542-202,467,545); deleting any one gives the same sequence. VCF-style (leftmost placement, unchanged base first): chr2-202467541-TC-T. GRCh37 (hg19) VCF-style: chr2-203332264-TC-T.
Other names: short protein forms Q92fs.
Identifiers: ClinVar variation 812797 (VCV000812797.7), dbSNP rs1574464060, ClinGen allele CA915941498.